The following is an entry in ClinVar:

ClinVar aggregate classification (germline): Benign (1 of 4 stars; one submission).

Allele frequency attached by ClinVar (database versions not stated): gnomAD 0.29337 and 0.30369; TOPMed 0.31117; 1000 Genomes Project 30x 0.38382; 1000 Genomes Project 0.38558.
gnomAD v4.1: 46,122 of 152,050 alleles (30%); highest among the groups gnomAD compares: East Asian, 54%; 7,450 homozygotes.

Submission:

GeneDx
Classification: Benign. Last evaluated: 2018-06-14. Review status: criteria provided, single submitter. Criteria: GeneDx Variant Classification (06012015). Collection method: clinical testing. Allele origin: germline. Affected: yes.
Comment: This variant is considered likely benign or benign based on one or more of the following criteria: it is a conservative change, it occurs at a poorly conserved position in the protein, it is predicted to be benign by multiple in silico algorithms, and/or has population frequency not consistent with disease.

NM_015346.4(ZFYVE26):c.5654-288A>G

Gene: ZFYVE26 (zinc finger FYVE-type containing 26; minus strand). Cytogenetic location: 14q24.1.
Variant type: single nucleotide variant.
Coding change: c.5654-288A>G on transcript NM_015346.4 (MANE Select); 288 bases into the intron before coding-DNA position 5654, A replaced by G.
Molecular consequence: intron variant.
Genome position (GRCh38, 1-based): chr14:67,768,128, T>C on the plus strand (A>G on the coding strand, the complement: ZFYVE26 is on the minus strand). VCF-style: chr14-67768128-T-C. GRCh37 (hg19) VCF-style: chr14-68234845-T-C.
Identifiers: ClinVar variation 669987 (VCV000669987.1), dbSNP rs3825726, ClinGen allele CA14016967.